The following is an entry in ClinVar:

NM_005896.4(IDH1):c.553C>A (p.Gln185Lys)

Gene: IDH1 (isocitrate dehydrogenase (NADP(+)) 1; minus strand). Cytogenetic location: 2q34.
Variant type: single nucleotide variant.
Coding change: c.553C>A on transcript NM_005896.4 (MANE Select); coding-DNA position 553, C replaced by A.
Protein change: p.Gln185Lys; replaces glutamine 185 with lysine.
Molecular consequence: missense variant.
Genome position (GRCh38, 1-based): chr2:208,243,572, G>T on the plus strand (C>A on the coding strand, the complement: IDH1 is on the minus strand). VCF-style: chr2-208243572-G-T. GRCh37 (hg19) VCF-style: chr2-209108296-G-T.
Other names: c.553C>A, p.Gln185Lys (NM_001282386.1, NM_001282387.1); short protein forms Q185K.
Identifiers: ClinVar variation 3285238 (VCV003285238.1).
Genomic context (GRCh38, chr2:208,243,572, plus strand): 5'-AACCCTTAGACAGAGCCATTTGGAAGGAACTGTGTGCAAAATCTTCAATTGACTTATCTT[G>T]ATTATACATCCCCATGGCAACACCACCACCTTCTGTAGAGGAGAAGCCAGTGAGAGGAAA-3'
Protein context (NP_005887.2, residues 175-195): GGGVAMGMYN[Gln185Lys]DKSIEDFAHS

ClinVar aggregate classification (germline): Uncertain significance (1 of 4 stars; one submission).

Submission:

Ambry Genetics
Classification: Uncertain significance. Last evaluated: 2024-04-11. Review status: criteria provided, single submitter. Criteria: Ambry Variant Classification Scheme 2023. Collection method: clinical testing. Allele origin: germline.
Comment: The p.Q185K variant (also known as c.553C>A), located in coding exon 4 of the IDH1 gene, results from a C to A substitution at nucleotide position 553. The glutamine at codon 185 is replaced by lysine, an amino acid with similar properties. This amino acid position is conserved. In addition, this alteration is predicted to be tolerated by in silico analysis. Based on the available evidence, the clinical significance of this variant remains unclear.